The following is an entry in ClinVar:

ClinVar aggregate classification (germline): Uncertain significance (1 of 4 stars; one submission).

Conditions:
Familial focal epilepsy with variable foci (FPEVF). Identifiers: Orphanet 98820, MedGen C1858477, MONDO:0020310.

Submission:

Labcorp Genetics (formerly Invitae), Labcorp
Classification: Uncertain significance for Familial focal epilepsy with variable foci. Last evaluated: 2023-08-30. Review status: criteria provided, single submitter. Criteria: Invitae Variant Classification Sherloc (09022015). Collection method: clinical testing. Allele origin: germline.
Comment: This sequence change falls in intron 19 of the DEPDC5 gene. It does not directly change the encoded amino acid sequence of the DEPDC5 protein. This variant is not present in population databases (gnomAD no frequency). This variant has not been reported in the literature in individuals affected with DEPDC5-related conditions. Algorithms developed to predict the effect of sequence changes on RNA splicing suggest that this variant may disrupt the consensus splice site. In summary, the available evidence is currently insufficient to determine the role of this variant in disease. Therefore, it has been classified as a Variant of Uncertain Significance.

NM_001242896.3(DEPDC5):c.1325-12T>A

Gene: DEPDC5 (DEP domain containing 5, GATOR1 subcomplex subunit; plus strand). Cytogenetic location: 22q12.3.
Variant type: single nucleotide variant.
Coding change: c.1325-12T>A on transcript NM_001242896.3 (MANE Select); 12 bases into the intron before coding-DNA position 1325, T replaced by A.
Molecular consequence: intron variant.
Genome position (GRCh38, 1-based): chr22:31,810,509, T>A. VCF-style: chr22-31810509-T-A. GRCh37 (hg19) VCF-style: chr22-32206495-T-A.
Other names: c.1325-12T>A (NM_001364318.2, NM_001136029.4, NM_014662.6 and 7 more transcripts); c.1241-12T>A (NM_001369902.1, NM_001369901.1).
Identifiers: ClinVar variation 2737023 (VCV002737023.3), dbSNP rs2519098194, ClinGen allele CA2697552705.
Genomic context (GRCh38, chr22:31,810,509, plus strand): 5'-TTGTGTATTTCAGCTCTCAGGCATGTGTTTGAAATGTATTTGATGACAATTTATATTATT[T>A]GTGTATTTCAGCTCTCGGGAGTCCAAAAGAATCTGAGAACGCCCTTCCCATCCAAGTAGA-3'